The following is an entry in ClinVar:

NM_006734.4(HIVEP2):c.185A>T (p.Gln62Leu)

Gene: HIVEP2 (HIVEP zinc finger 2; minus strand). Cytogenetic location: 6q24.2.
Variant type: single nucleotide variant.
Coding change: c.185A>T on transcript NM_006734.4 (MANE Select); coding-DNA position 185, A replaced by T.
Protein change: p.Gln62Leu; replaces glutamine 62 with leucine.
Molecular consequence: missense variant.
Genome position (GRCh38, 1-based): chr6:142,774,554, T>A on the plus strand (A>T on the coding strand, the complement: HIVEP2 is on the minus strand). VCF-style: chr6-142774554-T-A. GRCh37 (hg19) VCF-style: chr6-143095691-T-A.
Other names: short protein forms Q62L.
Identifiers: ClinVar variation 2431887 (VCV002431887.3), dbSNP rs1775645312, ClinGen allele CA365916603.

ClinVar aggregate classification (germline): Uncertain significance. Review status: criteria provided, multiple submitters, no conflicts (2 of 4 stars). 2 submissions from 2 submitters: Uncertain significance (2). Last evaluated 2024-04-04.

Conditions:
Intellectual developmental disorder, autosomal dominant 43. Also called: Intellectual disability, autosomal dominant 43. Identifiers: MedGen C4707429, MONDO:0014858, OMIM 616977.

Allele frequency attached by ClinVar (database versions not stated): TOPMed below 0.00001.

Submissions (2):

Labcorp Genetics (formerly Invitae), Labcorp
Classification: Uncertain significance. Last evaluated: 2024-04-04. Review status: criteria provided, single submitter. Criteria: Invitae Variant Classification Sherloc (09022015). Collection method: clinical testing. Allele origin: germline.
Comment: This sequence change replaces glutamine, which is neutral and polar, with leucine, which is neutral and non-polar, at codon 62 of the HIVEP2 protein (p.Gln62Leu). This variant is not present in population databases (gnomAD no frequency). This variant has not been reported in the literature in individuals affected with HIVEP2-related conditions. ClinVar contains an entry for this variant (Variation ID: 2431887). Advanced modeling of protein sequence and biophysical properties (such as structural, functional, and spatial information, amino acid conservation, physicochemical variation, residue mobility, and thermodynamic stability) has been performed at Invitae for this missense variant, however the output from this modeling did not meet the statistical confidence thresholds required to predict the impact of this variant on HIVEP2 protein function. In summary, the available evidence is currently insufficient to determine the role of this variant in disease. Therefore, it has been classified as a Variant of Uncertain Significance.

Laboratorio de Genetica e Diagnostico Molecular, Hospital Israelita Albert Einstein
Classification: Uncertain significance for Intellectual developmental disorder, autosomal dominant 43. Last evaluated: 2022-03-03. Review status: criteria provided, single submitter. Criteria: ACMG Guidelines, 2015. Collection method: clinical testing. Allele origin: germline. Affected: yes. Observed: 1 variant allele.
Comment: ACMG classification criteria: PM2 moderated, BP4 supporting